The following is an entry in ClinVar:

NM_000180.4(GUCY2D):c.2563C>T (p.Gln855Ter)

Gene: GUCY2D (guanylate cyclase 2D, retinal; plus strand). Cytogenetic location: 17p13.1.
Variant type: single nucleotide variant.
Coding change: c.2563C>T on transcript NM_000180.4 (MANE Select); coding-DNA position 2563, C replaced by T.
Protein change: p.Gln855Ter; replaces glutamine 855 with a stop codon.
Molecular consequence: nonsense.
Genome position (GRCh38, 1-based): chr17:8,014,751, C>T. VCF-style: chr17-8014751-C-T. GRCh37 (hg19) VCF-style: chr17-7918069-C-T.
Other names: short protein forms Q855*.
Identifiers: ClinVar variation 497765 (VCV000497765.15), dbSNP rs1555635778, ClinGen allele CA397953824.

ClinVar aggregate classification (germline): Pathogenic. Review status: criteria provided, multiple submitters, no conflicts (2 of 4 stars). 5 submissions from 5 submitters: Pathogenic (5). Last evaluated 2025-11-26.

Conditions:
Cone-rod dystrophy 6 (CORD6). Also called: Cone dystrophy progressive; RETINAL CONE DYSTROPHY 2. Identifiers: Orphanet 1872, MedGen C1866293, MONDO:0011143, OMIM 601777.
Leber congenital amaurosis 1 (LCA1). Also called: AMAUROSIS CONGENITA OF LEBER I; Congenital absence of the rods and cones; Leber's congenital tapetoretinal degeneration; Leber's congenital tapetoretinal dysplasia; RETINAL BLINDNESS, CONGENITAL. Identifiers: Orphanet 65, MedGen C2931258, MONDO:0008764, OMIM 204000.

Allele frequency attached by ClinVar (database versions not stated): gnomAD 0.00001.
gnomAD v4.1: 2 of 1,610,572 alleles (0.00012%); highest among the groups gnomAD compares: African/African-American, 0.0013%; no homozygotes.

Submissions (5):

3billion
Classification: Pathogenic for Leber congenital amaurosis 1. Last evaluated: 2025-11-26. Review status: criteria provided, single submitter. Criteria: ACMG Guidelines, 2015. Collection method: clinical testing. Allele origin: germline. Affected: yes.
Comment: The variant is observed at an extremely low frequency in the gnomAD v4.1.0 dataset (total allele frequency: <0.001%). Predicted Consequence/Location: Stop-gained (nonsense): predicted to result in a loss or disruption of normal protein function through nonsense-mediated decay (NMD) or protein truncation. Multiple pathogenic variants are reported downstream of the variant. The variant has been reported at least twice as pathogenic without evidence for the classification (ClinVar ID: VCV000497765 /PMID: 10636733 /3billion dataset). Therefore, this variant is classified as Pathogenic according to the recommendation of ACMG/AMP guideline.

Labcorp Genetics (formerly Invitae), Labcorp
Classification: Pathogenic for Leber congenital amaurosis 1; Cone-rod dystrophy 6. Last evaluated: 2025-10-29. Review status: criteria provided, single submitter. Criteria: Invitae Variant Classification Sherloc (09022015). Collection method: clinical testing. Allele origin: germline.
Comment: This sequence change creates a premature translational stop signal (p.Gln855*) in the GUCY2D gene. It is expected to result in an absent or disrupted protein product. Loss-of-function variants in GUCY2D are known to be pathogenic (PMID: 10951519, 11328726). This variant is not present in population databases (gnomAD no frequency). This premature translational stop signal has been observed in individual(s) with Leber congenital amaurosis (PMID: 10636733). It has also been observed to segregate with disease in related individuals. This variant is also known as c.2646C>T. ClinVar contains an entry for this variant (Variation ID: 497765). Algorithms developed to predict the effect of sequence changes on RNA splicing suggest that this variant may disrupt the consensus splice site. For these reasons, this variant has been classified as Pathogenic.

Dasa
Classification: Pathogenic. Last evaluated: 2025-10-20. Review status: criteria provided, single submitter. Criteria: DASA Assertion Criteria. Collection method: clinical testing. Allele origin: germline.
Comment: NM_000180.4(GUCY2D):c.2563C>T (p.Gln855*) introduces a premature termination codon predicted to result in loss of normal protein function. Loss-of-function is an established mechanism of disease for this gene. Segregation evidence has been reported in affected families. This variant has been reported in individuals with related phenotype (PMID: 10636733). The variant is present at low frequency in population datasets. Based on the available data, this variant is classified as pathogenic.

Mendelics
Classification: Pathogenic for Cone-rod dystrophy 6. Last evaluated: 2019-05-28. Review status: criteria provided, single submitter. Criteria: Mendelics Assertion Criteria 2017. Collection method: clinical testing. Allele origin: unknown.

Eurofins Ntd Llc (ga)
Classification: Pathogenic. Last evaluated: 2016-10-06. Review status: criteria provided, single submitter. Criteria: EGL Classification Definitions 2015. Collection method: clinical testing. Allele origin: germline. Observed: 1 variant allele, 1 heterozygote.

Literature cited by the submitters: PubMed 10636733 (cited by 3 submitters); PubMed 10951519 (cited by Labcorp Genetics (formerly Invitae), Labcorp); PubMed 11328726 (cited by Labcorp Genetics (formerly Invitae), Labcorp).